The following is an entry in ClinVar:

ClinVar aggregate classification (germline): Uncertain significance (1 of 4 stars; one submission).

Submission:

Women's Health and Genetics/Laboratory Corporation of America, LabCorp
Classification: Uncertain significance. Last evaluated: 2024-01-05. Review status: criteria provided, single submitter. Criteria: LabCorp Variant Classification Summary - May 2015. Collection method: clinical testing. Allele origin: germline.
Comment: Variant summary: The variant involves the duplication of exons 1-12 in the PMS2 gene. The exact breakpoint at the 5' end of this variant is unknown, therefore this duplication may extend upstream of the annotated region of this gene. It is predicted to duplicate a segment including the initiation codon, therefore its impact on the encoded protein is unknown. A presumed nomenclature of c.(?_-31)_(2174+1_2175-1)dup has been designated for the purposes of this classification. The variant was absent in 21694 control chromosomes (gnomAD Structural variants dataset). The available data on variant occurrences in the general population are insufficient to allow any conclusion about variant significance. c.(?_-31)_(2174+1_2175-1)dup has been reported in the literature in at-least one individual affected with Colorectal Cancer (example: Schofield_2012). This report does not provide unequivocal conclusions about association of the variant with Hereditary Nonpolyposis Colorectal Cancer. To our knowledge, no experimental evidence demonstrating an impact on protein function has been reported. The following publication has been ascertained in the context of this evaluation (PMID: 22120844). ClinVar contains an entry for this variant (Variation ID: 455097). Based on the evidence outlined above, the variant was classified as uncertain significance.

Literature cited by the submitters: PubMed 22120844.

NC_000007.13:g.(6018328_6022454)_(6048681_?)dup

Gene: PMS2 (PMS1 homolog 2, mismatch repair system component; minus strand). Cytogenetic location: 7p22.1.
Variant type: Duplication.
Identifiers: ClinVar variation 3063778 (VCV003063778.1).